The following is an entry in ClinVar:

NM_006180.6(NTRK2):c.466A>G (p.Ile156Val)

Gene: NTRK2 (neurotrophic receptor tyrosine kinase 2; plus strand). Cytogenetic location: 9q21.33.
Variant type: single nucleotide variant.
Coding change: c.466A>G on transcript NM_006180.6 (MANE Select); coding-DNA position 466, A replaced by G.
Protein change: p.Ile156Val; replaces isoleucine 156 with valine.
Molecular consequence: missense variant. On other transcripts: 5 prime UTR variant (5).
Genome position (GRCh38, 1-based): chr9:84,710,674, A>G. VCF-style: chr9-84710674-A-G. GRCh37 (hg19) VCF-style: chr9-87325589-A-G.
Other names: c.466A>G, p.Ile156Val (NM_001007097.3, NM_001018064.3, NM_001018065.2 and 18 more transcripts); c.-3A>G (NM_001369535.1, NM_001369536.1, NM_001369550.1 and 2 more transcripts); c.466A>G (NM_006180.3, NM_006180.4); short protein forms I156V.
Identifiers: ClinVar variation 1678254 (VCV001678254.10), dbSNP rs1564102310, ClinGen allele CA374005739.
Genomic context (GRCh38, chr9:84,710,674, plus strand): 5'-GTTGTCATTTTTGTTCCCTGTAGGATCCTGGTGGGCAATCCATTTACATGCTCCTGTGAC[A>G]TTATGTGGATCAAGACTCTCCAAGAGGCTAAATCCAGTCCAGACACTCAGGATTTGTACT-3'
Protein context (NP_006171.2, residues 146-166): VGNPFTCSCD[Ile156Val]MWIKTLQEAK

ClinVar aggregate classification (germline): Uncertain significance. Review status: criteria provided, multiple submitters, no conflicts (2 of 4 stars). 4 submissions from 4 submitters: Uncertain significance (3). 1 of the submissions does not count toward it. Last evaluated 2025-09-14.

Conditions:
NTRK2-related disorder. Also called: NTRK2-related condition.
Inborn genetic diseases. Identifiers: MedGen C0950123, MeSH D030342.

Allele frequency attached by ClinVar (database versions not stated): gnomAD exomes below 0.00001; TOPMed below 0.00001; gnomAD 0.00001.
gnomAD v4.1: 4 of 1,614,058 alleles (0.00025%); highest among the groups gnomAD compares: Admixed American, 0.0067%; no homozygotes.

Submissions (4):

Labcorp Genetics (formerly Invitae), Labcorp
Classification: Uncertain significance. Last evaluated: 2025-09-14. Review status: criteria provided, single submitter. Criteria: Invitae Variant Classification Sherloc (09022015). Collection method: clinical testing. Allele origin: germline.
Comment: This sequence change replaces isoleucine, which is neutral and non-polar, with valine, which is neutral and non-polar, at codon 156 of the NTRK2 protein (p.Ile156Val). This variant is not present in population databases (gnomAD no frequency). This variant has not been reported in the literature in individuals affected with NTRK2-related conditions. ClinVar contains an entry for this variant (Variation ID: 1678254). Invitae Evidence Modeling of protein sequence and biophysical properties (such as structural, functional, and spatial information, amino acid conservation, physicochemical variation, residue mobility, and thermodynamic stability) indicates that this missense variant is not expected to disrupt NTRK2 protein function with a negative predictive value of 80%. In summary, the available evidence is currently insufficient to determine the role of this variant in disease. Therefore, it has been classified as a Variant of Uncertain Significance.

Ambry Genetics
Classification: Uncertain significance for Inborn genetic diseases. Last evaluated: 2023-03-31. Review status: criteria provided, single submitter. Criteria: Ambry Variant Classification Scheme 2023. Collection method: clinical testing. Allele origin: germline.

AiLife Diagnostics
Classification: Uncertain significance. Last evaluated: 2020-07-07. Review status: criteria provided, single submitter. Criteria: ACMG Guidelines, 2015. Collection method: clinical testing. Allele origin: germline. Affected: yes. Observed: 1 variant allele.

PreventionGenetics, part of Exact Sciences
Classification: Uncertain significance for NTRK2-related condition. Last evaluated: 2023-10-20. Review status: no assertion criteria provided. Collection method: clinical testing. Allele origin: germline. Not counted in ClinVar's aggregate classification.
Comment: The NTRK2 c.466A>G variant is predicted to result in the amino acid substitution p.Ile156Val. To our knowledge, this variant has not been reported in the literature or in a large population database, indicating this variant is rare. At this time, the clinical significance of this variant is uncertain due to the absence of conclusive functional and genetic evidence.